The following is an entry in ClinVar:

NM_001130144.3(LTBP3):c.2155G>A (p.Glu719Lys)

Genes: LTBP3 (latent transforming growth factor beta binding protein 3; minus strand), LOC130006030 (ATAC-STARR-seq lymphoblastoid silent region 3533; plus strand). Cytogenetic location: 11q13.1.
Variant type: single nucleotide variant.
Coding change: c.2155G>A on transcript NM_001130144.3 (MANE Select); coding-DNA position 2155, G replaced by A.
Protein change: p.Glu719Lys; replaces glutamic acid 719 with lysine.
Molecular consequence: missense variant.
Genome position (GRCh38, 1-based): chr11:65,546,873, C>T on the plus strand (G>A on the coding strand, the complement: LTBP3 is on the minus strand). VCF-style: chr11-65546873-C-T. GRCh37 (hg19) VCF-style: chr11-65314344-C-T.
Other names: c.1804G>A, p.Glu602Lys (NM_001164266.1); c.2155G>A, p.Glu719Lys (NM_021070.4); short protein forms E602K, E719K.
Identifiers: ClinVar variation 2820241 (VCV002820241.3), dbSNP rs772542139, ClinGen allele CA381270094.

ClinVar aggregate classification (germline): Uncertain significance (1 of 4 stars; one submission).

Conditions:
Brachyolmia-amelogenesis imperfecta syndrome. Also called: PLATYSPONDYLY WITH AMELOGENESIS IMPERFECTA; Tooth agenesis, selective, 6; Dental anomalies and short stature. Identifiers: Orphanet 2899, MedGen C1832594, MONDO:0011018, OMIM 601216. Disease mechanism: loss of function.

gnomAD v4.1: 1 of 1,612,578 alleles (0.000062%); highest among the groups gnomAD compares: South Asian, 0.0011%; no homozygotes.

Submission:

Labcorp Genetics (formerly Invitae), Labcorp
Classification: Uncertain significance for Brachyolmia-amelogenesis imperfecta syndrome. Last evaluated: 2023-05-19. Review status: criteria provided, single submitter. Criteria: Invitae Variant Classification Sherloc (09022015). Collection method: clinical testing. Allele origin: germline.
Comment: In summary, the available evidence is currently insufficient to determine the role of this variant in disease. Therefore, it has been classified as a Variant of Uncertain Significance. An algorithm developed to predict the effect of missense changes on protein structure and function (PolyPhen-2) suggests that this variant is likely to be tolerated. This variant has not been reported in the literature in individuals affected with LTBP3-related conditions. This variant is not present in population databases (gnomAD no frequency). This sequence change replaces glutamic acid, which is acidic and polar, with lysine, which is basic and polar, at codon 719 of the LTBP3 protein (p.Glu719Lys).